The following is an entry in ClinVar:

NM_017999.5(RNF31):c.2065G>A (p.Ala689Thr)

Gene: RNF31 (ring finger protein 31; plus strand). Cytogenetic location: 14q12.
Variant type: single nucleotide variant.
Coding change: c.2065G>A on transcript NM_017999.5 (MANE Select); coding-DNA position 2065, G replaced by A.
Protein change: p.Ala689Thr; replaces alanine 689 with threonine.
Molecular consequence: missense variant.
Genome position (GRCh38, 1-based): chr14:24,151,927, G>A. VCF-style: chr14-24151927-G-A. GRCh37 (hg19) VCF-style: chr14-24621136-G-A.
Other names: c.1612G>A, p.Ala538Thr (NM_001310332.2); short protein forms A538T, A689T.
Identifiers: ClinVar variation 1951726 (VCV001951726.5), dbSNP rs2038272892, ClinGen allele CA389299153.
Genomic context (GRCh38, chr14:24,151,927, plus strand): 5'-ACACCCAGGAACTATGAGTTGGGGGATGTGGTAGAAGCTGTGAGGCACAGCCAGGACCGG[G>A]CCTTCCTGCGCCGCTTGCTTGCCCAGGAGTGTGCCGTGTGTGGCTGGGCCCTGCCCCACA-3'
Protein context (NP_060469.4, residues 679-699): VEAVRHSQDR[Ala689Thr]FLRRLLAQEC

ClinVar aggregate classification (germline): Uncertain significance (1 of 4 stars; one submission).

Allele frequency attached by ClinVar (database versions not stated): TOPMed below 0.00001.

Submission:

Labcorp Genetics (formerly Invitae), Labcorp
Classification: Uncertain significance. Last evaluated: 2024-07-08. Review status: criteria provided, single submitter. Criteria: Invitae Variant Classification Sherloc (09022015). Collection method: clinical testing. Allele origin: germline.
Comment: This sequence change replaces alanine, which is neutral and non-polar, with threonine, which is neutral and polar, at codon 689 of the RNF31 protein (p.Ala689Thr). This variant is not present in population databases (gnomAD no frequency). This variant has not been reported in the literature in individuals affected with RNF31-related conditions. ClinVar contains an entry for this variant (Variation ID: 1951726). An algorithm developed to predict the effect of missense changes on protein structure and function (PolyPhen-2) suggests that this variant is likely to be disruptive. In summary, the available evidence is currently insufficient to determine the role of this variant in disease. Therefore, it has been classified as a Variant of Uncertain Significance.